The following is an entry in ClinVar:

ClinVar aggregate classification (germline): Uncertain significance (1 of 4 stars; one submission).

Conditions:
Familial thoracic aortic aneurysm and aortic dissection (TAAD). Also called: Thoracic aortic aneurysms and dissections. Identifiers: Orphanet 91387, MedGen C4707243, MONDO:0019625.

Submission:

Ambry Genetics
Classification: Uncertain significance for Familial thoracic aortic aneurysm and aortic dissection. Last evaluated: 2017-11-29. Review status: criteria provided, single submitter. Criteria: Ambry Variant Classification Scheme 2023. Collection method: clinical testing. Allele origin: germline.
Comment: The c.1080G>C variant (also known as p.T360T), located in coding exon 6 of the TGFB3 gene, results from a G to C substitution at nucleotide position 1080. This nucleotide substitution does not change the threonine at codon 360. However, this change occurs in the last base pair of coding exon 6, which makes it likely to have some effect on normal mRNA splicing. This nucleotide position is highly conserved in available vertebrate species. Using two different splice site prediction tools, this alteration is predicted by BDGP to abolish the native splice donor site, but is predicted to weaken (but not abolish) the efficiency of the native splice donor site by ESEfinder; however, direct evidence is unavailable. Since supporting evidence is limited at this time, the clinical significance of this variant remains unclear.

NM_003239.5(TGFB3):c.1080G>C (p.Thr360=)

Gene: TGFB3 (transforming growth factor beta 3; minus strand). Cytogenetic location: 14q24.3.
Variant type: single nucleotide variant.
Coding change: c.1080G>C on transcript NM_003239.5 (MANE Select); coding-DNA position 1080, G replaced by C.
Protein change: p.Thr360=; no amino-acid change (threonine 360 retained).
Molecular consequence: synonymous variant.
Genome position (GRCh38, 1-based): chr14:75,960,923, C>G on the plus strand (G>C on the coding strand, the complement: TGFB3 is on the minus strand). VCF-style: chr14-75960923-C-G. GRCh37 (hg19) VCF-style: chr14-76427266-C-G.
Other names: c.1080G>C, p.Thr360= (NM_001329939.2).
Identifiers: ClinVar variation 520208 (VCV000520208.5), dbSNP rs1555360212, ClinGen allele CA487188906.